The following is an entry in ClinVar:

NM_007055.4(POLR3A):c.2551A>G (p.Thr851Ala)

Gene: POLR3A (RNA polymerase III subunit A; minus strand). Cytogenetic location: 10q22.3.
Variant type: single nucleotide variant.
Coding change: c.2551A>G on transcript NM_007055.4 (MANE Select); coding-DNA position 2551, A replaced by G.
Protein change: p.Thr851Ala; replaces threonine 851 with alanine.
Molecular consequence: missense variant.
Genome position (GRCh38, 1-based): chr10:78,000,046, T>C on the plus strand (A>G on the coding strand, the complement: POLR3A is on the minus strand). VCF-style: chr10-78000046-T-C. GRCh37 (hg19) VCF-style: chr10-79759804-T-C.
Other names: short protein forms T851A.
Identifiers: ClinVar variation 1406282 (VCV001406282.4), dbSNP rs761832392, ClinGen allele CA5571094.

ClinVar aggregate classification (germline): Uncertain significance. Review status: criteria provided, multiple submitters, no conflicts (2 of 4 stars). 2 submissions from 2 submitters: Uncertain significance (2). Last evaluated 2024-11-22.

Allele frequency attached by ClinVar (database versions not stated): ExAC 0.00001; gnomAD exomes 0.00001 and 0.00004; gnomAD 0.00005; TOPMed 0.00005.
gnomAD v4.1: 63 of 1,613,980 alleles (0.0039%); highest among the groups gnomAD compares: Non-Finnish European, 0.005%; no homozygotes.

Submissions (2):

Blueprint Genetics
Classification: Uncertain significance. Last evaluated: 2024-11-22. Review status: criteria provided, single submitter. Criteria: ACMG Guidelines, 2015. Collection method: clinical testing. Allele origin: germline.

Labcorp Genetics (formerly Invitae), Labcorp
Classification: Uncertain significance. Last evaluated: 2022-06-27. Review status: criteria provided, single submitter. Criteria: Invitae Variant Classification Sherloc (09022015). Collection method: clinical testing. Allele origin: germline.
Comment: This sequence change replaces threonine, which is neutral and polar, with alanine, which is neutral and non-polar, at codon 851 of the POLR3A protein (p.Thr851Ala). This variant is present in population databases (rs761832392, gnomAD 0.003%). This variant has not been reported in the literature in individuals affected with POLR3A-related conditions. Algorithms developed to predict the effect of missense changes on protein structure and function (SIFT, PolyPhen-2, Align-GVGD) all suggest that this variant is likely to be tolerated. In summary, the available evidence is currently insufficient to determine the role of this variant in disease. Therefore, it has been classified as a Variant of Uncertain Significance.